The following is an entry in ClinVar:

ClinVar aggregate classification (germline): Likely pathogenic (1 of 4 stars; one submission).

Conditions:
Primary dilated cardiomyopathy (DCM). Also called: Dilated Cardiomyopathy. Identifiers: Orphanet 217604, MedGen C0007193, MeSH D002311, MONDO:0005021, HP:0001644. Inheritance: Various modes of inheritance.

Submission:

Cardiovascular Biomedical Research Unit, Royal Brompton & Harefield NHS Foundation Trust
Classification: Likely pathogenic for Primary dilated cardiomyopathy. Last evaluated: 2014-10-08. Review status: criteria provided, single submitter. Criteria: Roberts et al. 2015. Collection method: research. Allele origin: germline. Inheritance: Autosomal dominant inheritance. Affected: yes. Observed: 1 variant allele. Study: Endstage DCM.
Comment: In the seven cohorts assessed, TTNtv were found in 14% of ambulant DCM, 22% end-stage or familial DCM, and 2% controls. Heterozygous nonsense, frameshift and canonical splice-disrupting variants found in constitutive and other highly utilised exons are highly likely to be pathogenic when identified in individuals with phenotypically confirmed DCM. TTNtv found incidentally in healthy individuals (excluding familial assessment of DCM relatives) are thought to have low penetrance, particularly when identified in exons that are not constitutively expressed in the heart.

NM_001267550.2(TTN):c.96460dup (p.Thr32154fs)

Genes: TTN (titin; minus strand), TTN-AS1 (TTN antisense RNA 1; plus strand), LOC126806421 (CDK7 strongly-dependent group 2 enhancer GRCh37_chr2:179407630-179408829; plus strand). Cytogenetic location: 2q31.2.
Variant type: Duplication.
Coding change: c.96460dup on transcript NM_001267550.2 (MANE Select); coding-DNA position 96460, one base duplicated (A; older notation c.96460dupA).
Protein change: p.Thr32154fs; shifts the reading frame from threonine 32154.
Molecular consequence: frameshift variant.
Genome position (GRCh38, 1-based): chr2:178,543,513, T duplicated on the plus strand (A on the coding strand, the reverse complement: TTN is on the minus strand); the first of 4 consecutive T bases (chr2:178,543,513-178,543,516); duplicating any one gives the same sequence. VCF-style (leftmost placement, unchanged base first): chr2-178543512-G-GT. GRCh37 (hg19) VCF-style: chr2-179408239-G-GT.
Other names: c.91537dup, p.Thr30513fs (NM_001256850.1); c.69265dup, p.Thr23089fs (NM_003319.4); c.88756dup, p.Thr29586fs (NM_133378.4); c.69640dup, p.Thr23214fs (NM_133432.3); c.69841dup, p.Thr23281fs (NM_133437.4); c.96460dupA (LRG_391t1); short protein forms T29586fs, T23281fs, T30513fs, T32154fs, T23089fs, T23214fs.
Identifiers: ClinVar variation 223328 (VCV000223328.1), dbSNP rs869312084, ClinGen allele CA353270.